The following is an entry in ClinVar:

NM_001848.3(COL6A1):c.859G>A (p.Gly287Arg)

Gene: COL6A1 (collagen type VI alpha 1 chain; plus strand). Cytogenetic location: 21q22.3.
Variant type: single nucleotide variant.
Coding change: c.859G>A on transcript NM_001848.3 (MANE Select); coding-DNA position 859, G replaced by A.
Protein change: p.Gly287Arg; replaces glycine 287 with arginine.
Molecular consequence: missense variant.
Genome position (GRCh38, 1-based): chr21:45,989,608, G>A. VCF-style: chr21-45989608-G-A. GRCh37 (hg19) VCF-style: chr21-47409522-G-A.
Other names: short protein forms G287R.
Identifiers: ClinVar variation 381711 (VCV000381711.12), dbSNP rs1057521152, ClinGen allele CA16608537.

ClinVar aggregate classification (germline): Pathogenic/Likely pathogenic. Review status: criteria provided, multiple submitters, no conflicts (2 of 4 stars). 2 submissions from 2 submitters: Pathogenic (1); Likely pathogenic (1). Last evaluated 2024-01-18.

Conditions:
Bethlem myopathy 1A. Also called: MYOPATHY, BENIGN CONGENITAL, WITH CONTRACTURES; Bethlem Muscular Dystrophy; Bethlem myopathy 1. Identifiers: Orphanet 610, MedGen CN029274, MONDO:0024530, OMIM 158810.

Submissions (2):

Labcorp Genetics (formerly Invitae), Labcorp
Classification: Pathogenic for Bethlem myopathy 1A. Last evaluated: 2024-01-18. Review status: criteria provided, single submitter. Criteria: Invitae Variant Classification Sherloc (09022015). Collection method: clinical testing. Allele origin: germline.
Comment: This sequence change replaces glycine, which is neutral and non-polar, with arginine, which is basic and polar, at codon 287 of the COL6A1 protein (p.Gly287Arg). This variant is not present in population databases (gnomAD no frequency). This missense change has been observed in individual(s) with intermediate Ullrich congenital muscular dystrophy (PMID: 20976770, 24038877, 24271325, 28688748). ClinVar contains an entry for this variant (Variation ID: 381711). Experimental studies and prediction algorithms are not available or were not evaluated, and the functional significance of this variant is currently unknown. This variant disrupts the triple helix domain of COL6A1. Glycine residues within the Gly-Xaa-Yaa repeats of the triple helix domain are required for the structure and stability of fibrillar collagens (PMID: 7695699, 8218237, 19344236). In COL6A1, variants at these glycine residues are significantly enriched in individuals with autosomal dominant disease (PMID: 15689448, 24038877) compared to the general population (ExAC). For these reasons, this variant has been classified as Pathogenic.

GeneDx
Classification: Likely pathogenic. Last evaluated: 2016-08-22. Review status: criteria provided, single submitter. Criteria: GeneDx Variant Classification (06012015). Collection method: clinical testing. Allele origin: germline. Affected: yes.
Comment: The G287R variant in the COL6A1 gene has been reported previously as a pathogenic variant in an individual with an intermediate phenotype of Ullrich congenital muscular dystrophy (Butterfield et al., 2013). The father of the affected individual was found to be mosaic for the G287R variant and exhibited mild joint contractures (Donkervoort et al., 2015). The G287R variant was not observed in approximately 6500 individuals of European and African American ancestry in the NHLBI Exome Sequencing Project, indicating it is not a common benign variant in these populations. The G287R variant is a non-conservative amino acid substitution, which is likely to impact secondary protein structure as these residues differ in polarity, charge, size and/or other properties. This substitution occurs in the Gly-X-Y motif in the triple helical domain, a position that is conserved across species. In silico analysis predicts this variant is probably damaging to the protein structure/function. The G287R variant is a strong candidate for a pathogenic variant, however the possibility it may be a rare benign variant cannot be excluded.

Literature cited by the submitters: PubMed 20976770 (cited by Labcorp Genetics (formerly Invitae), Labcorp); PubMed 24038877 (cited by Labcorp Genetics (formerly Invitae), Labcorp); PubMed 24271325 (cited by Labcorp Genetics (formerly Invitae), Labcorp); PubMed 28688748 (cited by Labcorp Genetics (formerly Invitae), Labcorp); PubMed 7695699 (cited by Labcorp Genetics (formerly Invitae), Labcorp); PubMed 8218237 (cited by Labcorp Genetics (formerly Invitae), Labcorp); PubMed 19344236 (cited by Labcorp Genetics (formerly Invitae), Labcorp); PubMed 15689448 (cited by Labcorp Genetics (formerly Invitae), Labcorp).